The following is an entry in ClinVar:

NM_001267550.2(TTN):c.102932C>G (p.Ser34311Ter)

Genes: TTN-AS1 (TTN antisense RNA 1; plus strand), TTN (titin; minus strand). Cytogenetic location: 2q31.2.
Variant type: single nucleotide variant.
Coding change: c.102932C>G on transcript NM_001267550.2 (MANE Select); coding-DNA position 102932, C replaced by G.
Protein change: p.Ser34311Ter; replaces serine 34311 with a stop codon.
Molecular consequence: nonsense.
Genome position (GRCh38, 1-based): chr2:178,533,683, G>C on the plus strand (C>G on the coding strand, the complement: TTN is on the minus strand). VCF-style: chr2-178533683-G-C. GRCh37 (hg19) VCF-style: chr2-179398410-G-C.
Other names: c.98009C>G, p.Ser32670Ter (NM_001256850.1); c.75737C>G, p.Ser25246Ter (NM_003319.4); c.95228C>G, p.Ser31743Ter (NM_133378.4); c.76112C>G, p.Ser25371Ter (NM_133432.3); c.76313C>G, p.Ser25438Ter (NM_133437.4); short protein forms S25246*, S25371*, S25438*, S31743*, S32670*, S34311*.
Identifiers: ClinVar variation 3759065 (VCV003759065.2).
Genomic context (GRCh38, chr2:178,533,683, plus strand): 5'-TATTCAGCGTCATCATCTGTAGTGACACTGTTGATTGTTAATTGGTAAAGACCCTTGTCT[G>C]ACTCAAATGTGTACTTCTTGTCATTGTCACCTGGTTTGATTTTCTGACCTGATTTATACC-3'

ClinVar aggregate classification (germline): Likely pathogenic (1 of 4 stars; one submission).

Conditions:
Dilated cardiomyopathy 1G (CMD1G). Identifiers: Orphanet 154, MedGen C1858763, MONDO:0011400, OMIM 604145.
Autosomal recessive limb-girdle muscular dystrophy type 2J (LGMDR10). Also called: Limb-girdle muscular dystrophy, type 2J; MUSCULAR DYSTROPHY, LIMB-GIRDLE, AUTOSOMAL RECESSIVE 10. Identifiers: Orphanet 140922, MedGen C1837342, MONDO:0012127, OMIM 608807.

Submission:

Labcorp Genetics (formerly Invitae), Labcorp
Classification: Likely pathogenic for Dilated cardiomyopathy 1G; Autosomal recessive limb-girdle muscular dystrophy type 2J. Last evaluated: 2025-05-27. Review status: criteria provided, single submitter. Criteria: Invitae Variant Classification Sherloc (09022015). Collection method: clinical testing. Allele origin: germline.
Comment: This sequence change creates a premature translational stop signal (p.Ser34311*) in the TTN gene. While this is not anticipated to result in nonsense mediated decay, it is expected to create a truncated TTN protein. This variant is not present in population databases (gnomAD no frequency). This premature translational stop signal has been observed in individual(s) with dilated cardiomyopathy (PMID: 28611029). ClinVar contains an entry for this variant (Variation ID: 3759065). This variant is located in the M band of TTN (PMID: 25589632). Truncating variants in this region have been previously reported in individuals affected with autosomal dominant or autosomal recessive myopathy and muscular dystrophy (PMID: 18948003, 23975875, 24395473). Truncating variants in this region have also been identified in individuals affected with autosomal dominant dilated cardiomyopathy and/or cardio-related conditions (PMID: 27869827, 32964742, internal data). In summary, the currently available evidence indicates that the variant is pathogenic, but additional data are needed to prove that conclusively. Therefore, this variant has been classified as Likely Pathogenic.

Literature cited by the submitters: PubMed 28611029; PubMed 25589632; PubMed 18948003; PubMed 23975875; PubMed 24395473; PubMed 27869827; PubMed 32964742.